The following is an entry in ClinVar:

ClinVar aggregate classification (germline): Benign (1 of 4 stars; one submission).

Conditions:
Congenital myasthenic syndrome 12 (CMS12). Also called: MYASTHENIC SYNDROME, CONGENITAL, WITH TUBULAR AGGREGATES 1; Myasthenia, congenital, 12, with tubular aggregates. Identifiers: Orphanet 353327, Orphanet 590, MedGen C3552335, MONDO:0012518, OMIM 610542.

Allele frequency attached by ClinVar (database versions not stated): gnomAD 0.02277 and 0.02423; TOPMed 0.02624; 1000 Genomes Project 0.02756; 1000 Genomes Project 30x 0.03154.

Submission:

Illumina Laboratory Services, Illumina
Classification: Benign for Congenital myasthenic syndrome 12. Last evaluated: 2018-01-12. Review status: criteria provided, single submitter. Criteria: ICSL Variant Classification Criteria 13 December 2019. Collection method: clinical testing. Allele origin: germline.
Comment: This variant was observed in the ICSL laboratory as part of a predisposition screen in an ostensibly healthy population. It had not been previously curated by ICSL or reported in the Human Gene Mutation Database (HGMD: prior to June 1st, 2018), and was therefore a candidate for classification through an automated scoring system. Utilizing variant allele frequency, disease prevalence and penetrance estimates, and inheritance mode, an automated score was calculated to assess if this variant is too frequent to cause the disease. Based on the score and internal cut-off values, a variant classified as benign is not then subjected to further curation. The score for this variant resulted in a classification of benign for this disease.

NM_001244710.2(GFPT1):c.*6094C>T

Gene: GFPT1 (glutamine--fructose-6-phosphate transaminase 1; minus strand). Cytogenetic location: 2p13.3.
Variant type: single nucleotide variant.
Coding change: c.*6094C>T on transcript NM_001244710.2 (MANE Select); 6094 bases downstream of the stop codon, C replaced by T.
Molecular consequence: 3 prime UTR variant.
Genome position (GRCh38, 1-based): chr2:69,320,095, G>A on the plus strand (C>T on the coding strand, the complement: GFPT1 is on the minus strand). VCF-style: chr2-69320095-G-A. GRCh37 (hg19) VCF-style: chr2-69547227-G-A.
Other names: c.*6094C>T (NM_002056.4).
Identifiers: ClinVar variation 336783 (VCV000336783.5), dbSNP rs55888680, ClinGen allele CA10614274.